The following is an entry in ClinVar:

ClinVar aggregate classification (germline): Uncertain significance (1 of 4 stars; one submission).

Allele frequency attached by ClinVar (database versions not stated): ESP Exome Variant Server 0.00008; gnomAD 0.00008 and 0.00009.
gnomAD v4.1: 170 of 1,614,058 alleles (0.011%); highest among the groups gnomAD compares: Non-Finnish European, 0.014%; 1 homozygote.

Submission:

Labcorp Genetics (formerly Invitae), Labcorp
Classification: Uncertain significance. Last evaluated: 2022-08-31. Review status: criteria provided, single submitter. Criteria: Invitae Variant Classification Sherloc (09022015). Collection method: clinical testing. Allele origin: germline.
Comment: This sequence change replaces leucine, which is neutral and non-polar, with phenylalanine, which is neutral and non-polar, at codon 177 of the CANT1 protein (p.Leu177Phe). This variant is present in population databases (rs375929530, gnomAD 0.006%). This variant has not been reported in the literature in individuals affected with CANT1-related conditions. ClinVar contains an entry for this variant (Variation ID: 1394767). Algorithms developed to predict the effect of missense changes on protein structure and function are either unavailable or do not agree on the potential impact of this missense change (SIFT: "Deleterious"; PolyPhen-2: "Probably Damaging"; Align-GVGD: "Class C15"). In summary, the available evidence is currently insufficient to determine the role of this variant in disease. Therefore, it has been classified as a Variant of Uncertain Significance.

NM_001159773.2(CANT1):c.529C>T (p.Leu177Phe)

Gene: CANT1 (calcium activated nucleotidase 1; minus strand). Cytogenetic location: 17q25.3.
Variant type: single nucleotide variant.
Coding change: c.529C>T on transcript NM_001159773.2 (MANE Select); coding-DNA position 529, C replaced by T.
Protein change: p.Leu177Phe; replaces leucine 177 with phenylalanine.
Molecular consequence: missense variant.
Genome position (GRCh38, 1-based): chr17:78,997,094, G>A on the plus strand (C>T on the coding strand, the complement: CANT1 is on the minus strand). VCF-style: chr17-78997094-G-A. GRCh37 (hg19) VCF-style: chr17-76993176-G-A.
Other names: c.529C>T, p.Leu177Phe (NM_001159772.2, NM_138793.4); short protein forms L177F.
Identifiers: ClinVar variation 1394767 (VCV001394767.3), dbSNP rs375929530, ClinGen allele CA294812332.